The following is an entry in ClinVar:

ClinVar aggregate classification (germline): Uncertain significance (1 of 4 stars; one submission).

Conditions:
Congenital myasthenic syndrome 15. Also called: Myasthenic syndrome, congenital, 15, without tubular aggregates. Identifiers: Orphanet 353327, Orphanet 590, MedGen C4015596, MONDO:0014542, OMIM 616227.

Allele frequency attached by ClinVar (database versions not stated): TOPMed 0.00013.
gnomAD v4.1: 99 of 1,614,074 alleles (0.0061%); highest among the groups gnomAD compares: Admixed American, 0.12%; 1 homozygote.

Submission:

Labcorp Genetics (formerly Invitae), Labcorp
Classification: Uncertain significance for Congenital myasthenic syndrome 15. Last evaluated: 2022-08-22. Review status: criteria provided, single submitter. Criteria: Invitae Variant Classification Sherloc (09022015). Collection method: clinical testing. Allele origin: germline.
Comment: This sequence change replaces serine, which is neutral and polar, with asparagine, which is neutral and polar, at codon 38 of the ALG14 protein (p.Ser38Asn). This variant is present in population databases (rs139521179, gnomAD 0.07%). This variant has not been reported in the literature in individuals affected with ALG14-related conditions. ClinVar contains an entry for this variant (Variation ID: 857180). Algorithms developed to predict the effect of missense changes on protein structure and function (SIFT, PolyPhen-2, Align-GVGD) all suggest that this variant is likely to be tolerated. In summary, the available evidence is currently insufficient to determine the role of this variant in disease. Therefore, it has been classified as a Variant of Uncertain Significance.

NM_144988.4(ALG14):c.113G>A (p.Ser38Asn)

Genes: ALG14 (ALG14 UDP-N-acetylglucosaminyltransferase subunit; minus strand), LOC129930989 (ATAC-STARR-seq lymphoblastoid active region 1353; plus strand). Cytogenetic location: 1p21.3.
Variant type: single nucleotide variant.
Coding change: c.113G>A on transcript NM_144988.4 (MANE Select); coding-DNA position 113, G replaced by A.
Protein change: p.Ser38Asn; replaces serine 38 with asparagine.
Molecular consequence: missense variant. On other transcripts: non-coding transcript variant (1).
Genome position (GRCh38, 1-based): chr1:95,072,786, C>T on the plus strand (G>A on the coding strand, the complement: ALG14 is on the minus strand). VCF-style: chr1-95072786-C-T. GRCh37 (hg19) VCF-style: chr1-95538342-C-T.
Other names: c.113G>A, p.Ser38Asn (NM_001305242.2); short protein forms S38N.
Identifiers: ClinVar variation 857180 (VCV000857180.5), dbSNP rs139521179, ClinGen allele CA961888.